The following is an entry in ClinVar:

NM_000642.3(AGL):c.1076C>T (p.Pro359Leu)

Gene: AGL (amylo-alpha-1,6-glucosidase and 4-alpha-glucanotransferase; plus strand). Cytogenetic location: 1p21.2.
Variant type: single nucleotide variant.
Coding change: c.1076C>T on transcript NM_000642.3 (MANE Select); coding-DNA position 1076, C replaced by T.
Protein change: p.Pro359Leu; replaces proline 359 with leucine.
Molecular consequence: missense variant.
Genome position (GRCh38, 1-based): chr1:99,874,804, C>T. VCF-style: chr1-99874804-C-T. GRCh37 (hg19) VCF-style: chr1-100340360-C-T.
Other names: p.Pro359Leu; c.1076C>T, p.Pro359Leu (NM_000028.3, NM_000643.3, NM_000644.3 and 3 more transcripts); c.1028C>T, p.Pro343Leu (NM_000646.3); c.872C>T, p.Pro291Leu (NM_001425328.1, NM_001425329.1); c.698C>T, p.Pro233Leu (NM_001425332.1); short protein forms P359L, P343L, P233L, P291L.
Identifiers: ClinVar variation 456449 (VCV000456449.20), dbSNP rs558217174, ClinGen allele CA966363.
Genomic context (GRCh38, chr1:99,874,804, plus strand): 5'-CTGAATACAGACGGTTTGGCTGTACTGTAGATATGAACATTGCACTAACGACTTTCATAC[C>T]ACATGAGTATGTAATGTGTTTTTTTCTGTGAAATAATAATATTACTTACAAACCTTTATG-3'
Protein context (NP_000633.2, residues 349-369): DMNIALTTFI[Pro359Leu]HDKGPAAIEE

ClinVar aggregate classification (germline): Uncertain significance. Review status: criteria provided, multiple submitters, no conflicts (2 of 4 stars). 8 submissions from 8 submitters: Uncertain significance (7). 1 of the submissions does not count toward it. Last evaluated 2025-10-20.

Conditions:
Glycogen storage disease type III (GSD3). Also called: FORBES DISEASE; Cori disease. Identifiers: Orphanet 366, MedGen C0017922, MONDO:0009291, OMIM 232400.
Inborn genetic diseases. Identifiers: MedGen C0950123, MeSH D030342.

Allele frequency attached by ClinVar (database versions not stated): gnomAD exomes 0.00006 and 0.00008; TOPMed 0.00006; gnomAD 0.00007 and 0.00008; ExAC 0.00010.
gnomAD v4.1: 102 of 1,613,240 alleles (0.0063%); highest among the groups gnomAD compares: Admixed American, 0.012%; no homozygotes.

Submissions (8):

Mayo Clinic Laboratories, Mayo Clinic
Classification: Uncertain significance. Last evaluated: 2025-10-20. Review status: criteria provided, single submitter. Criteria: ACMG Guidelines, 2015. Collection method: clinical testing. Allele origin: germline. Observed: 2 variant alleles.

GeneDx
Classification: Uncertain significance. Last evaluated: 2025-05-15. Review status: criteria provided, single submitter. Criteria: GeneDx Variant Classification Process June 2021. Collection method: clinical testing. Allele origin: germline. Affected: yes.
Comment: Not observed at significant frequency in large population cohorts (gnomAD); In silico analysis suggests that this missense variant does not alter protein structure/function; Has not been previously published as pathogenic or benign to our knowledge

Ambry Genetics
Classification: Uncertain significance for Inborn genetic diseases. Last evaluated: 2023-11-02. Review status: criteria provided, single submitter. Criteria: Ambry Variant Classification Scheme 2023. Collection method: clinical testing. Allele origin: germline.

Labcorp Genetics (formerly Invitae), Labcorp
Classification: Uncertain significance for Glycogen storage disease type III. Last evaluated: 2022-08-20. Review status: criteria provided, single submitter. Criteria: Invitae Variant Classification Sherloc (09022015). Collection method: clinical testing. Allele origin: germline.
Comment: This sequence change replaces proline, which is neutral and non-polar, with leucine, which is neutral and non-polar, at codon 359 of the AGL protein (p.Pro359Leu). This variant is present in population databases (rs558217174, gnomAD 0.01%). This variant has not been reported in the literature in individuals affected with AGL-related conditions. ClinVar contains an entry for this variant (Variation ID: 456449). Algorithms developed to predict the effect of missense changes on protein structure and function (SIFT, PolyPhen-2, Align-GVGD) all suggest that this variant is likely to be tolerated. In summary, the available evidence is currently insufficient to determine the role of this variant in disease. Therefore, it has been classified as a Variant of Uncertain Significance.

Genome-Nilou Lab
Classification: Uncertain significance for Glycogen storage disease type III. Last evaluated: 2021-07-15. Review status: criteria provided, single submitter. Criteria: ACMG Guidelines, 2015. Collection method: clinical testing. Allele origin: germline. Affected: no.

Fulgent Genetics
Classification: Uncertain significance for Glycogen storage disease type III. Last evaluated: 2021-07-12. Review status: criteria provided, single submitter. Criteria: ACMG Guidelines, 2015. Collection method: clinical testing. Allele origin: unknown.

Illumina Laboratory Services, Illumina
Classification: Uncertain significance for Glycogen storage disease type III. Last evaluated: 2018-01-12. Review status: criteria provided, single submitter. Criteria: ICSL Variant Classification Criteria 13 December 2019. Collection method: clinical testing. Allele origin: germline.

Natera, Inc.
Classification: Uncertain significance for Glycogen storage disease type III. Last evaluated: 2019-10-28. Review status: no assertion criteria provided. Collection method: clinical testing. Allele origin: germline. Not counted in ClinVar's aggregate classification.